The following is an entry in ClinVar:

NM_000304.4(PMP22):c.422T>G (p.Val141Gly)

Gene: PMP22 (peripheral myelin protein 22; minus strand). Cytogenetic location: 17p12.
Variant type: single nucleotide variant.
Coding change: c.422T>G on transcript NM_000304.4 (MANE Select); coding-DNA position 422, T replaced by G.
Protein change: p.Val141Gly; replaces valine 141 with glycine.
Molecular consequence: missense variant. On other transcripts: non-coding transcript variant (2).
Genome position (GRCh38, 1-based): chr17:15,230,978, A>C on the plus strand (T>G on the coding strand, the complement: PMP22 is on the minus strand). VCF-style: chr17-15230978-A-C. GRCh37 (hg19) VCF-style: chr17-15134295-A-C.
Other names: c.422T>G, p.Val141Gly (NM_001281455.2, NM_001281456.2, NM_153321.3 and 1 more transcripts); short protein forms V141G.
Identifiers: ClinVar variation 373965 (VCV000373965.4), dbSNP rs1057518804, ClinGen allele CA16043518.
Genomic context (GRCh38, chr17:15,230,978, plus strand): 5'-CATTCGCGTTTCCGCAAGATCACATAGATGACACCGCTGAGAAGGGCCAGGGGGAAGGCC[A>C]CCCAGGCCAGGATGTAGGCGAAACCGTAGGAGTAATCCGAGTTGAGATGCCACTCCGGGT-3'
Protein context (NP_000295.1, residues 131-151): SYGFAYILAW[Val141Gly]AFPLALLSGV

ClinVar aggregate classification (germline): Uncertain significance. Review status: criteria provided, single submitter (1 of 4 stars). 2 submissions from 1 submitter: Uncertain significance (2). Last evaluated 2016-01-01.

Conditions:
Roussy-Lévy syndrome. Also called: Roussy Levy hereditary areflexic dystasia; Roussy-Levy disease; Hereditary areflexic dystasia; Roussy-Levy Syndrome. Identifiers: Orphanet 3115, MedGen C0205713, MONDO:0008392, OMIM 180800.
Spasticity. Identifiers: MedGen C0026838, HP:0001257.
Respiratory distress. Identifiers: MedGen C0476273, HP:0002098.
Tongue fasciculations. Identifiers: MedGen C0239548, HP:0001308.

Submissions (2):

Centre for Mendelian Genomics, University Medical Centre Ljubljana
Classification: Uncertain significance for Roussy-Lévy syndrome. Last evaluated: 2016-01-01. Review status: criteria provided, single submitter. Criteria: ACMG Guidelines, 2015. Collection method: clinical testing. Allele origin: unknown. Affected: yes.
Comment: This variant was classified as: Uncertain significance.

Centre for Mendelian Genomics, University Medical Centre Ljubljana
Classification: Uncertain significance for Respiratory distress; Spasticity; Tongue fasciculations. Last evaluated: 2015-11-11. Review status: criteria provided, single submitter. Criteria: ACMG Guidelines, 2015. Collection method: clinical testing. Allele origin: unknown. Affected: yes.